The following is an entry in ClinVar:

ClinVar aggregate classification (germline): Uncertain significance (1 of 4 stars; one submission).

Allele frequency attached by ClinVar (database versions not stated): gnomAD exomes below 0.00001; gnomAD 0.00001.

Submission:

GeneDx
Classification: Uncertain significance. Last evaluated: 2016-12-08. Review status: criteria provided, single submitter. Criteria: GeneDx Variant Classification (06012015). Collection method: clinical testing. Allele origin: germline. Affected: yes.
Comment: A variant of uncertain significance has been identified in the TMEM5 gene. The S314G variant has not been published as a pathogenic variant, nor has it been reported as a benign variant to our knowledge. The TMEM5 variant is not observed in large population cohorts (Lek et al., 2016; 1000 Genomes Consortium et al., 2015; Exome Variant Server). This substitution occurs at a position where amino acids with similar properties to Serine are tolerated across species. However, the S314G variant is a non-conservative amino acid substitution, which is likely to impact secondary protein structure as these residues differ in polarity, charge, size and/or other properties. In silico analysis predicts this variant is probably damaging to the protein structure/function. Therefore, based on the currently available information, it is unclear whether this variant is a pathogenic variant or a rare benign variant.

NM_014254.3(RXYLT1):c.940A>G (p.Ser314Gly)

Gene: RXYLT1 (ribitol xylosyltransferase 1; plus strand). Cytogenetic location: 12q14.2.
Variant type: single nucleotide variant.
Coding change: c.940A>G on transcript NM_014254.3 (MANE Select); coding-DNA position 940, A replaced by G.
Protein change: p.Ser314Gly; replaces serine 314 with glycine.
Molecular consequence: missense variant.
Genome position (GRCh38, 1-based): chr12:63,808,700, A>G. VCF-style: chr12-63808700-A-G. GRCh37 (hg19) VCF-style: chr12-64202480-A-G.
Other names: c.160A>G, p.Ser54Gly (NM_001278237.2); short protein forms S314G, S54G.
Identifiers: ClinVar variation 373700 (VCV000373700.1), dbSNP rs1057518557, ClinGen allele CA16042809.